The following is an entry in ClinVar:

ClinVar aggregate classification (germline): Benign. Review status: criteria provided, multiple submitters, no conflicts (2 of 4 stars). 6 submissions from 6 submitters: Benign (5). 1 of the submissions does not count toward it. Last evaluated 2026-02-03.

Conditions:
Familial sleep-related hypermotor epilepsy. Also called: Autosomal Dominant Sleep-Related Hypermotor (Hyperkinetic) Epilepsy. Identifiers: Orphanet 98784, MedGen C3696898, MONDO:0000030.

Allele frequency attached by ClinVar (database versions not stated): TOPMed 0.08153; 1000 Genomes Project 0.11002; ESP Exome Variant Server 0.05419; ExAC 0.12820; gnomAD 0.07732 and 0.08052; gnomAD exomes 0.09892; 1000 Genomes Project 30x 0.10587.

Submissions (6):

Labcorp Genetics (formerly Invitae), Labcorp
Classification: Benign. Last evaluated: 2026-02-03. Review status: criteria provided, single submitter. Criteria: Invitae Variant Classification Sherloc (09022015). Collection method: clinical testing. Allele origin: germline.

Eurofins Ntd Llc (ga)
Classification: Benign. Last evaluated: 2016-03-16. Review status: criteria provided, single submitter. Criteria: EGL Classification Definitions 2015. Collection method: clinical testing. Allele origin: germline. Observed: 13 variant alleles, 13 heterozygotes.

GeneDx
Classification: Benign. Last evaluated: 2015-03-03. Review status: criteria provided, single submitter. Criteria: GeneDx Variant Classification Process June 2021. Collection method: clinical testing. Allele origin: germline. Affected: yes.

Breakthrough Genomics
Classification: Benign. Review status: criteria provided, single submitter. Criteria: ACMG Guidelines, 2015. Collection method: not provided. Allele origin: germline. Inheritance: Unknown mechanism. Affected: yes.

PreventionGenetics, part of Exact Sciences
Classification: Benign. Review status: criteria provided, single submitter. Criteria: ACMG Guidelines, 2015. Collection method: clinical testing. Allele origin: germline.

Genetic Services Laboratory, University of Chicago
Classification: Likely benign. Review status: no assertion criteria provided. Collection method: clinical testing. Allele origin: germline. Inheritance: Autosomal dominant inheritance. Not counted in ClinVar's aggregate classification.
Comment: Likely benign based on allele frequency in 1000 Genomes Project or ESP global frequency and its presence in a patient with a rare or unrelated disease phenotype. NOT Sanger confirmed

NM_000748.3(CHRNB2):c.1338+14G>T

Gene: CHRNB2 (cholinergic receptor nicotinic beta 2 subunit; plus strand). Cytogenetic location: 1q21.3.
Variant type: single nucleotide variant.
Coding change: c.1338+14G>T on transcript NM_000748.3 (MANE Select); 14 bases into the intron after coding-DNA position 1338, G replaced by T.
Molecular consequence: intron variant.
Genome position (GRCh38, 1-based): chr1:154,572,175, G>T. VCF-style: chr1-154572175-G-T. GRCh37 (hg19) VCF-style: chr1-154544651-G-T.
Identifiers: ClinVar variation 158331 (VCV000158331.20), dbSNP rs4845378, ClinGen allele CA171783.